The following is an entry in ClinVar:

ClinVar aggregate classification (germline): Uncertain significance. Review status: criteria provided, multiple submitters, no conflicts (2 of 4 stars). 3 submissions from 3 submitters: Uncertain significance (3). Last evaluated 2025-04-14.

Conditions:
Hajdu-Cheney syndrome (HJCYS). Also called: Acroosteolysis dominant type; ACROOSTEOLYSIS WITH OSTEOPOROSIS AND CHANGES IN SKULL AND MANDIBLE; SERPENTINE FIBULA-POLYCYSTIC KIDNEY SYNDROME. Identifiers: Orphanet 955, MedGen C0917715, MONDO:0007057, OMIM 102500.
Inborn genetic diseases. Identifiers: MedGen C0950123, MeSH D030342.

Allele frequency attached by ClinVar (database versions not stated): gnomAD exomes below 0.00001; TOPMed below 0.00001; gnomAD 0.00001.
gnomAD v4.1: 5 of 1,614,074 alleles (0.00031%); highest among the groups gnomAD compares: Admixed American, 0.0017%; no homozygotes.

Submissions (3):

Ambry Genetics
Classification: Uncertain significance for Inborn genetic diseases. Last evaluated: 2025-04-14. Review status: criteria provided, single submitter. Criteria: Ambry Variant Classification Scheme 2023. Collection method: clinical testing. Allele origin: germline.

Labcorp Genetics (formerly Invitae), Labcorp
Classification: Uncertain significance for Hajdu-Cheney syndrome. Last evaluated: 2023-10-29. Review status: criteria provided, single submitter. Criteria: Invitae Variant Classification Sherloc (09022015). Collection method: clinical testing. Allele origin: germline.
Comment: This sequence change replaces threonine, which is neutral and polar, with methionine, which is neutral and non-polar, at codon 1643 of the NOTCH2 protein (p.Thr1643Met). This variant is present in population databases (no rsID available, gnomAD 0.003%). This variant has not been reported in the literature in individuals affected with NOTCH2-related conditions. ClinVar contains an entry for this variant (Variation ID: 502354). Advanced modeling of protein sequence and biophysical properties (such as structural, functional, and spatial information, amino acid conservation, physicochemical variation, residue mobility, and thermodynamic stability) performed at Invitae indicates that this missense variant is not expected to disrupt NOTCH2 protein function with a negative predictive value of 80%. In summary, the available evidence is currently insufficient to determine the role of this variant in disease. Therefore, it has been classified as a Variant of Uncertain Significance.

Eurofins Ntd Llc (ga)
Classification: Uncertain significance. Last evaluated: 2017-05-31. Review status: criteria provided, single submitter. Criteria: EGL Classification Definitions 2015. Collection method: clinical testing. Allele origin: germline. Observed: 1 variant allele, 1 heterozygote.

NM_024408.4(NOTCH2):c.4928C>T (p.Thr1643Met)

Gene: NOTCH2 (notch receptor 2; minus strand). Cytogenetic location: 1p12.
Variant type: single nucleotide variant.
Coding change: c.4928C>T on transcript NM_024408.4 (MANE Select); coding-DNA position 4928, C replaced by T.
Protein change: p.Thr1643Met; replaces threonine 1643 with methionine.
Molecular consequence: missense variant.
Genome position (GRCh38, 1-based): chr1:119,922,710, G>A on the plus strand (C>T on the coding strand, the complement: NOTCH2 is on the minus strand). VCF-style: chr1-119922710-G-A. GRCh37 (hg19) VCF-style: chr1-120465333-G-A.
Other names: c.4928C>T (NM_024408.3); short protein forms T1643M.
Identifiers: ClinVar variation 502354 (VCV000502354.9), dbSNP rs891328437, ClinGen allele CA30318183.